The following is an entry in ClinVar:

NM_182914.3(SYNE2):c.9825C>T (p.Leu3275=)

Gene: SYNE2 (spectrin repeat containing nuclear envelope protein 2; plus strand). Cytogenetic location: 14q23.2.
Variant type: single nucleotide variant.
Coding change: c.9825C>T on transcript NM_182914.3 (MANE Select); coding-DNA position 9825, C replaced by T.
Protein change: p.Leu3275=; no amino-acid change (leucine 3275 retained).
Molecular consequence: synonymous variant.
Genome position (GRCh38, 1-based): chr14:64,056,024, C>T. VCF-style: chr14-64056024-C-T. GRCh37 (hg19) VCF-style: chr14-64522742-C-T.
Other names: c.9825C>T, p.Leu3275= (NM_015180.6).
Identifiers: ClinVar variation 2958917 (VCV002958917.3), dbSNP rs1470499754, ClinGen allele CA486960148.

ClinVar aggregate classification (germline): Uncertain significance (1 of 4 stars; one submission).

Conditions:
Emery-Dreifuss muscular dystrophy 5, autosomal dominant (EDMD5). Also called: EMERY-DREIFUSS MUSCULAR DYSTROPHY 5. Identifiers: Orphanet 261, MedGen C2751805, MONDO:0013072, OMIM 612999.

Allele frequency attached by ClinVar (database versions not stated): gnomAD exomes below 0.00001; gnomAD 0.00001.
gnomAD v4.1: 5 of 1,613,924 alleles (0.00031%); highest among the groups gnomAD compares: East Asian, 0.0022%; no homozygotes.

Submission:

Labcorp Genetics (formerly Invitae), Labcorp
Classification: Uncertain significance for Emery-Dreifuss muscular dystrophy 5, autosomal dominant. Last evaluated: 2023-09-29. Review status: criteria provided, single submitter. Criteria: Invitae Variant Classification Sherloc (09022015). Collection method: clinical testing. Allele origin: germline.
Comment: In summary, the available evidence is currently insufficient to determine the role of this variant in disease. Therefore, it has been classified as a Variant of Uncertain Significance. Algorithms developed to predict the effect of sequence changes on RNA splicing suggest that this variant may create or strengthen a splice site. This variant has not been reported in the literature in individuals affected with SYNE2-related conditions. This variant is present in population databases (no rsID available, gnomAD 0.004%). This sequence change affects codon 3275 of the SYNE2 mRNA. It is a 'silent' change, meaning that it does not change the encoded amino acid sequence of the SYNE2 protein.